The following is an entry in ClinVar:

NM_007194.4(CHEK2):c.908+1G>T

Gene: CHEK2 (checkpoint kinase 2; minus strand). Cytogenetic location: 22q12.1.
Variant type: single nucleotide variant.
Coding change: c.908+1G>T on transcript NM_007194.4 (MANE Select); the canonical splice donor site of the intron after coding-DNA position 908, G replaced by T.
Molecular consequence: splice donor variant.
Genome position (GRCh38, 1-based): chr22:28,703,504, C>A on the plus strand (G>T on the coding strand, the complement: CHEK2 is on the minus strand). VCF-style: chr22-28703504-C-A. GRCh37 (hg19) VCF-style: chr22-29099492-C-A.
Other names: c.245+1G>T (NM_001437942.1, NM_001257387.3); c.707+1G>T (NM_001349956.3); c.908+1G>T (NM_145862.3); c.1001+1G>T (NM_001438295.1, NM_001438293.1); c.1037+1G>T (NM_001438294.1, NM_001005735.3).
Identifiers: ClinVar variation 234715 (VCV000234715.58), dbSNP rs587781699, ClinGen allele CA10577641.

ClinVar aggregate classification (germline): Pathogenic/Likely pathogenic. Review status: criteria provided, multiple submitters, no conflicts (2 of 4 stars). 8 submissions from 8 submitters: Pathogenic (1); Likely pathogenic (5). 2 of the submissions do not count toward it. Last evaluated 2025-12-03.

Conditions:
Hereditary cancer-predisposing syndrome. Also called: Neoplastic Syndromes, Hereditary; Hereditary Cancer Syndrome; Tumor predisposition; Hereditary neoplastic syndrome. Identifiers: Orphanet 140162, MedGen C0027672, MeSH D009386, MONDO:0015356.
Hereditary breast ovarian cancer syndrome. Also called: BRCA1- and BRCA2-Associated Hereditary Breast and Ovarian Cancer; Hereditary breast and ovarian cancer syndrome (HBOC); Hereditary breast and ovarian cancer syndrome; Hereditary breast and ovarian cancer; Hereditary breast and/or ovarian cancer syndrome; Breast and ovarian cancer. Identifiers: Orphanet 145, MedGen C0677776, MeSH D061325, MONDO:0003582. Disease mechanism: loss of function.
Familial cancer of breast. Also called: Hereditary breast cancer; hereditary breast carcinoma; BREAST CANCER, FAMILIAL. Identifiers: Orphanet 227535, MedGen C0346153, MONDO:0016419, OMIM 114480. Disease mechanism: loss of function.

gnomAD v4.1: 2 of 1,413,272 alleles (0.00014%); highest among the groups gnomAD compares: Non-Finnish European, 0.000099%; no homozygotes.

Submissions (8):

Ambry Genetics
Classification: Likely pathogenic for Hereditary cancer-predisposing syndrome. Last evaluated: 2025-12-03. Review status: criteria provided, single submitter. Criteria: Ambry Variant Classification Scheme 2023. Collection method: clinical testing. Allele origin: germline.
Comment: The c.908+1G>T intronic variant results from a G to T substitution one nucleotide after coding exon 7 of the CHEK2 gene. This nucleotide position is highly conserved in available vertebrate species. This variant was reported in 2/60,466 breast cancer cases and in 0/53,461 controls (Dorling et al. N Engl J Med 2021 02;384:428-439). This variant is considered to be rare based on population cohorts in the Genome Aggregation Database (gnomAD). In silico splice site analysis predicts that this alteration will weaken the native splice donor site. RNA studies have demonstrated this variant results in aberrant splicing (Ambry internal data; Sanoguera-Miralles L et al. Clin Chem 2024 Jan;70(1):319-338). Alterations that disrupt the canonical splice site are expected to cause aberrant splicing, resulting in an abnormal protein or a transcript that is subject to nonsense-mediated mRNA decay. As such, this alteration is classified as likely pathogenic.

Labcorp Genetics (formerly Invitae), Labcorp
Classification: Pathogenic for Familial cancer of breast. Last evaluated: 2025-06-29. Review status: criteria provided, single submitter. Criteria: Invitae Variant Classification Sherloc (09022015). Collection method: clinical testing. Allele origin: germline.
Comment: This sequence change affects a donor splice site in intron 8 of the CHEK2 gene. RNA analysis indicates that disruption of this splice site induces altered splicing and may result in an absent or altered protein product. This variant is not present in population databases (gnomAD no frequency). This variant has not been reported in the literature in individuals affected with CHEK2-related conditions. ClinVar contains an entry for this variant (Variation ID: 234715). Studies have shown that disruption of this splice site results in skipping of exon 8, and produces a non-functional protein and/or introduces a premature termination codon (internal data). For these reasons, this variant has been classified as Pathogenic.

Myriad Genetics, Inc.
Classification: Likely pathogenic for Familial cancer of breast. Last evaluated: 2023-06-27. Review status: criteria provided, single submitter. Criteria: Myriad Autosomal Dominant, Autosomal Recessive and X-Linked Classification Criteria (2023). Collection method: clinical testing. Allele origin: unknown.
Comment: This variant is considered likely pathogenic. This variant occurs within a consensus splice junction and is predicted to result in abnormal mRNA splicing of either an out-of-frame exon or an in-frame exon necessary for protein stability and/or normal function.

Women's Health and Genetics/Laboratory Corporation of America, LabCorp
Classification: Likely pathogenic for Hereditary breast ovarian cancer syndrome. Last evaluated: 2022-08-08. Review status: criteria provided, single submitter. Criteria: LabCorp Variant Classification Summary - May 2015. Collection method: clinical testing. Allele origin: germline.
Comment: Variant summary: CHEK2 c.908+1G>T is located in a canonical splice-site and is predicted to affect mRNA splicing resulting in a significantly altered protein due to either exon skipping, shortening, or inclusion of intronic material. Several computational tools predict a significant impact on normal splicing: Three predict the variant abolishes the canonical 5' splicing donor site. Two predict the variant creates a cryptic 3' acceptor site. However, these predictions have yet to be confirmed by functional studies. The variant was absent in 199622 control chromosomes (gnomAD). c.908+1G>T has been reported in the literature in individuals who had multi-gene panel testing for hereditary cancer or Hereditary Breast And/or Ovarian Cancer (examples: Sutcliffe_2020 and Dorling_2021). To our knowledge, no experimental evidence demonstrating an impact on protein function has been reported. Three clinical diagnostic laboratories have submitted clinical-significance assessments for this variant to ClinVar after 2014 and all classified the variant as likely pathogenic. Based on the evidence outlined above, the variant was classified as likely pathogenic.

CeGaT Center for Human Genetics Tuebingen
Classification: Likely pathogenic. Last evaluated: 2020-03-01. Review status: criteria provided, single submitter. Criteria: CeGaT Center For Human Genetics Tuebingen Variant Classification Criteria Version 2. Collection method: clinical testing. Allele origin: germline. Affected: yes. Observed: 1 variant allele.

GeneDx
Classification: Likely pathogenic. Last evaluated: 2017-09-15. Review status: criteria provided, single submitter. Criteria: GeneDx Variant Classification (06012015). Collection method: clinical testing. Allele origin: germline. Affected: yes.
Comment: This variant is denoted CHEK2 c.908+1G>T or IVS8+1G>T and consists of a G>T nucleotide substitution at the +1 position of intron 8 of the CHEK2 gene. This variant destroys a canonical splice donor site and is predicted to cause abnormal gene splicing, leading to either an abnormal message that is subject to nonsense-mediated mRNA decay or to an abnormal protein product. This variant has not, to our knowledge, been published in the literature. Based on the current evidence, we consider this variant to be likely pathogenic.

Diagnostic Laboratory, Department of Genetics, University Medical Center Groningen
Classification: Pathogenic. Review status: no assertion criteria provided. Collection method: clinical testing. Allele origin: germline. Affected: yes. Study: VKGL Data-share Consensus. Not counted in ClinVar's aggregate classification.

Joint Genome Diagnostic Labs from Nijmegen and Maastricht, Radboudumc and MUMC+
Classification: Pathogenic. Review status: no assertion criteria provided. Collection method: clinical testing. Allele origin: germline. Affected: yes. Study: VKGL Data-share Consensus. Not counted in ClinVar's aggregate classification.

Literature cited by the submitters: PubMed 32805687 (cited by Ambry Genetics and Women's Health and Genetics/Laboratory Corporation of America, LabCorp); PubMed 33471991 (cited by Ambry Genetics and Women's Health and Genetics/Laboratory Corporation of America, LabCorp); PubMed 37725924 (cited by Ambry Genetics).